The following is an entry in ClinVar:

ClinVar aggregate classification (germline): Uncertain significance (1 of 4 stars; one submission).

Conditions:
Holocarboxylase synthetase deficiency. Also called: MULTIPLE CARBOXYLASE DEFICIENCY, EARLY ONSET. Identifiers: Orphanet 79242, MedGen C0268581, MONDO:0009666, OMIM 253270.

Allele frequency attached by ClinVar (database versions not stated): ExAC 0.00002; TOPMed 0.00002; gnomAD 0.00005; gnomAD exomes 0.00007; ESP Exome Variant Server 0.00008; 1000 Genomes Project 30x 0.00016; 1000 Genomes Project 0.00020.
gnomAD v4.1: 109 of 1,614,092 alleles (0.0068%); highest among the groups gnomAD compares: Non-Finnish European, 0.0082%; no homozygotes.

Submission:

Labcorp Genetics (formerly Invitae), Labcorp
Classification: Uncertain significance for Holocarboxylase synthetase deficiency. Last evaluated: 2021-08-27. Review status: criteria provided, single submitter. Criteria: Invitae Variant Classification Sherloc (09022015). Collection method: clinical testing. Allele origin: germline.
Comment: This sequence change replaces aspartic acid with asparagine at codon 8 of the HLCS protein (p.Asp8Asn). The aspartic acid residue is moderately conserved and there is a small physicochemical difference between aspartic acid and asparagine. This variant is present in population databases (rs369390552, ExAC 0.01%). This variant has not been reported in the literature in individuals affected with HLCS-related conditions. Algorithms developed to predict the effect of missense changes on protein structure and function are either unavailable or do not agree on the potential impact of this missense change (SIFT: "Deleterious"; PolyPhen-2: "Benign"; Align-GVGD: "Class C0"). In summary, the available evidence is currently insufficient to determine the role of this variant in disease. Therefore, it has been classified as a Variant of Uncertain Significance.

NM_001352514.2(HLCS):c.463G>A (p.Asp155Asn)

Gene: HLCS (holocarboxylase synthetase; minus strand). Cytogenetic location: 21q22.13.
Variant type: single nucleotide variant.
Coding change: c.463G>A on transcript NM_001352514.2 (MANE Select); coding-DNA position 463, G replaced by A.
Protein change: p.Asp155Asn; replaces aspartic acid 155 with asparagine.
Molecular consequence: missense variant. On other transcripts: non-coding transcript variant (2).
Genome position (GRCh38, 1-based): chr21:36,938,862, C>T on the plus strand (G>A on the coding strand, the complement: HLCS is on the minus strand). VCF-style: chr21-36938862-C-T. GRCh37 (hg19) VCF-style: chr21-38311162-C-T.
Other names: c.22G>A, p.Asp8Asn (NM_000411.8, NM_001242784.3, NM_001242785.2 and 4 more transcripts); short protein forms D155N, D8N.
Identifiers: ClinVar variation 2166180 (VCV002166180.1), dbSNP rs369390552, ClinGen allele CA10020777.
Genomic context (GRCh38, chr21:36,938,862, plus strand): 5'-CCAATAAAAACATTTTCTAAAGTTACTTACACACAATCTTTTGGGGTACCAGTCCATTAT[C>T]CATGTGGAGTCTATCTTCCATGAACGCCACCCCCAGCTTGCTGAAGTTGTCCACACTTGC-3'
Protein context (NP_001339443.1, residues 145-165): VAFMEDRLHM[Asp155Asn]NGLVPQKIVS